The following is an entry in ClinVar:

NM_000051.4(ATM):c.8731A>G (p.Thr2911Ala)

Genes: C11orf65 (chromosome 11 open reading frame 65; minus strand), ATM (ATM serine/threonine kinase; plus strand). Cytogenetic location: 11q22.3.
Variant type: single nucleotide variant.
Coding change: c.8731A>G on transcript NM_000051.4 (MANE Select); coding-DNA position 8731, A replaced by G.
Protein change: p.Thr2911Ala; replaces threonine 2911 with alanine.
Molecular consequence: missense variant. On other transcripts: intron variant (2).
Genome position (GRCh38, 1-based): chr11:108,353,825, A>G. VCF-style: chr11-108353825-A-G. GRCh37 (hg19) VCF-style: chr11-108224552-A-G.
Other names: c.8731A>G, p.Thr2911Ala (NM_001351834.2); c.640+32095T>C (NM_001330368.2); c.695-18533T>C (NM_001351110.2); short protein forms T2911A.
Identifiers: ClinVar variation 186851 (VCV000186851.7), dbSNP rs786203271, ClinGen allele CA196047.
Genomic context (GRCh38, chr11:108,353,825, plus strand): 5'-GGTGTTGCTTTTGAACAGGGCAAAATCCTTCCTACTCCTGAGACAGTTCCTTTTAGACTC[A>G]CCAGAGATATTGTGGATGGCATGGGCATTACGGGTGTTGAAGGTGTCTTCAGAAGGTAAG-3'
Protein context (NP_000042.3, residues 2901-2921): PTPETVPFRL[Thr2911Ala]RDIVDGMGIT

ClinVar aggregate classification (germline): Uncertain significance (1 of 4 stars; one submission).

Conditions:
Hereditary cancer-predisposing syndrome. Also called: Hereditary Cancer Syndrome; Tumor predisposition; Neoplastic Syndromes, Hereditary; Hereditary neoplastic syndrome. Identifiers: Orphanet 140162, MedGen C0027672, MeSH D009386, MONDO:0015356.

Submission:

Ambry Genetics
Classification: Uncertain significance for Hereditary cancer-predisposing syndrome. Last evaluated: 2014-11-10. Review status: criteria provided, single submitter. Criteria: Ambry Variant Classification Scheme 2023. Collection method: clinical testing. Allele origin: germline.
Comment: The p.T2911A variant (also known as c.8731A>G), located in coding exon 59 of the ATM gene, results from an A to G substitution at nucleotide position 8731. The threonine at codon 2911 is replaced by alanine, an amino acid with similar properties. This variant was not reported in population based cohorts in the following databases: Database of Single Nucleotide Polymorphisms (dbSNP), NHLBI Exome Sequencing Project (ESP), and 1000 Genomes Project. In the ESP, this variant was not observed in 6499 samples (12998 alleles) with coverage at this position. To date, this alteration has been detected with an allele frequency of approximately 0.005% (greater than 22000 alleles tested) in our clinical cohort. This amino acid position is not well conserved in available vertebrate species. In addition, this alteration is predicted to be possibly damaging and deleterious by PolyPhen and SIFT in silico analyses, respectively. Since supporting evidence is limited at this time, the clinical significance of p.T2911A remains unclear.